The following is an entry in ClinVar:

ClinVar aggregate classification (germline): Conflicting classifications of pathogenicity. Review status: criteria provided, conflicting classifications (1 of 4 stars). 2 submissions from 2 submitters: Uncertain significance (1); Likely benign (1). Last evaluated 2021-11-17.

Conditions:
Cardiovascular phenotype. Identifiers: MedGen CN230736.
Long QT syndrome (LQTS). Identifiers: MedGen C0023976, MeSH D008133, MONDO:0002442. Disease mechanism: loss of function. Inheritance: Various modes of inheritance.

Allele frequency attached by ClinVar (database versions not stated): ExAC 0.00001; gnomAD exomes 0.00001; TOPMed 0.00002.
gnomAD v4.1: 10 of 1,614,020 alleles (0.00062%); highest among the groups gnomAD compares: Admixed American, 0.0017%; no homozygotes.

Submissions (2):

Labcorp Genetics (formerly Invitae), Labcorp
Classification: Uncertain significance for Long QT syndrome. Last evaluated: 2021-11-17. Review status: criteria provided, single submitter. Criteria: Invitae Variant Classification Sherloc (09022015). Collection method: clinical testing. Allele origin: germline.
Comment: In summary, the available evidence is currently insufficient to determine the role of this variant in disease. Therefore, it has been classified as a Variant of Uncertain Significance. This sequence change replaces valine, which is neutral and non-polar, with leucine, which is neutral and non-polar, at codon 1881 of the ANK2 protein (p.Val1881Leu). This variant is present in population databases (rs762824375, gnomAD 0.003%). This variant has not been reported in the literature in individuals affected with ANK2-related conditions. ClinVar contains an entry for this variant (Variation ID: 518554). Algorithms developed to predict the effect of missense changes on protein structure and function output the following: SIFT: "Tolerated"; PolyPhen-2: "Benign"; Align-GVGD: "Class C0". The leucine amino acid residue is found in multiple mammalian species, which suggests that this missense change does not adversely affect protein function.

Ambry Genetics
Classification: Likely benign for Cardiovascular phenotype. Last evaluated: 2017-02-20. Review status: criteria provided, single submitter. Criteria: Ambry Variant Classification Scheme 2023. Collection method: clinical testing. Allele origin: germline.

NM_001148.6(ANK2):c.5641G>T (p.Val1881Leu)

Genes: ANK2 (ankyrin 2; plus strand), LOC126807136 (MED14-independent group 3 enhancer GRCh37_chr4:114274931-114276130; plus strand). Cytogenetic location: 4q26.
Variant type: single nucleotide variant.
Coding change: c.5641G>T on transcript NM_001148.6 (MANE Select); coding-DNA position 5641, G replaced by T.
Protein change: p.Val1881Leu; replaces valine 1881 with leucine.
Molecular consequence: missense variant. On other transcripts: intron variant (68).
Genome position (GRCh38, 1-based): chr4:113,354,259, G>T. VCF-style: chr4-113354259-G-T. GRCh37 (hg19) VCF-style: chr4-114275415-G-T.
Other names: c.5407G>T, p.Val1803Leu (NM_001386142.1); c.2041G>T, p.Val681Leu (NM_001386166.1); c.5782G>T, p.Val1928Leu (NM_001386174.1); c.5758G>T, p.Val1920Leu (NM_001386175.1); c.4411+4010G>T (NM_001386186.2, NM_001386148.2); c.4213+4010G>T (NM_001354269.3); c.4291+4010G>T (NM_001386187.2); c.4252+4010G>T (NM_001386147.1); and 35 more; short protein forms V1881L, V1803L, V1920L, V1928L, V681L.
Identifiers: ClinVar variation 518554 (VCV000518554.11), dbSNP rs762824375, ClinGen allele CA3051268.